The following is an entry in ClinVar:

NM_001378030.1(CCDC78):c.929A>G (p.His310Arg)

Gene: CCDC78 (coiled-coil domain containing 78; minus strand). Cytogenetic location: 16p13.3.
Variant type: single nucleotide variant.
Coding change: c.929A>G on transcript NM_001378030.1 (MANE Select); coding-DNA position 929, A replaced by G.
Protein change: p.His310Arg; replaces histidine 310 with arginine.
Molecular consequence: missense variant. On other transcripts: non-coding transcript variant (5).
Genome position (GRCh38, 1-based): chr16:724,346, T>C on the plus strand (A>G on the coding strand, the complement: CCDC78 is on the minus strand). VCF-style: chr16-724346-T-C. GRCh37 (hg19) VCF-style: chr16-774346-T-C.
Other names: c.929A>G, p.His310Arg (NM_001031737.3, NM_001378031.1); c.362A>G, p.His121Arg (NM_001378033.1); short protein forms H121R, H310R.
Identifiers: ClinVar variation 1392038 (VCV001392038.6), dbSNP rs2040614811, ClinGen allele CA394100069.

ClinVar aggregate classification (germline): Uncertain significance (1 of 4 stars; one submission).

Conditions:
Congenital myopathy with internal nuclei and atypical cores. Also called: Myopathy, centronuclear, 4. Identifiers: Orphanet 319160, MedGen C4707232, MONDO:0013890, OMIM 614807.

Allele frequency attached by ClinVar (database versions not stated): gnomAD exomes below 0.00001; TOPMed below 0.00001.
gnomAD v4.1: 1 of 1,612,256 alleles (0.000062%); highest among the groups gnomAD compares: Non-Finnish European, 0.000085%; no homozygotes.

Submission:

Labcorp Genetics (formerly Invitae), Labcorp
Classification: Uncertain significance for Congenital myopathy with internal nuclei and atypical cores. Last evaluated: 2024-02-17. Review status: criteria provided, single submitter. Criteria: Invitae Variant Classification Sherloc (09022015). Collection method: clinical testing. Allele origin: germline.
Comment: This sequence change replaces histidine, which is basic and polar, with arginine, which is basic and polar, at codon 310 of the CCDC78 protein (p.His310Arg). This variant is not present in population databases (gnomAD no frequency). This variant has not been reported in the literature in individuals affected with CCDC78-related conditions. ClinVar contains an entry for this variant (Variation ID: 1392038). Advanced modeling of protein sequence and biophysical properties (such as structural, functional, and spatial information, amino acid conservation, physicochemical variation, residue mobility, and thermodynamic stability) has been performed at Invitae for this missense variant, however the output from this modeling did not meet the statistical confidence thresholds required to predict the impact of this variant on CCDC78 protein function. In summary, the available evidence is currently insufficient to determine the role of this variant in disease. Therefore, it has been classified as a Variant of Uncertain Significance.